The following is an entry in ClinVar:

NM_203290.4(POLR1C):c.395G>A (p.Gly132Asp)

Gene: POLR1C (RNA polymerase I and III subunit C; plus strand). Cytogenetic location: 6p21.1.
Variant type: single nucleotide variant.
Coding change: c.395G>A on transcript NM_203290.4 (MANE Select); coding-DNA position 395, G replaced by A.
Protein change: p.Gly132Asp; replaces glycine 132 with aspartic acid.
Molecular consequence: missense variant.
Genome position (GRCh38, 1-based): chr6:43,520,078, G>A. VCF-style: chr6-43520078-G-A. GRCh37 (hg19) VCF-style: chr6-43487816-G-A.
Other names: c.395G>A, p.Gly132Asp (NM_001318876.2, NM_001363658.2); short protein forms G132D.
Identifiers: ClinVar variation 635145 (VCV000635145.19), dbSNP rs201320592, ClinGen allele CA3825424.

ClinVar aggregate classification (germline): Conflicting classifications of pathogenicity. Review status: criteria provided, conflicting classifications (1 of 4 stars). 9 submissions from 9 submitters: Pathogenic (2); Uncertain significance (5); Likely benign (1). 1 of the submissions does not count toward it. Last evaluated 2026-01-13.

Conditions:
Inborn genetic diseases. Identifiers: MedGen C0950123, MeSH D030342.
Leukodystrophy, hypomyelinating, 11. Identifiers: Orphanet 88637, MedGen C4225305, MONDO:0014666, OMIM 616494.
Treacher Collins syndrome 3 (TCS3). Also called: POLR1C-Related Treacher Collins Syndrome. Identifiers: Orphanet 861, MedGen C1855433, MONDO:0009558, OMIM 248390.

Allele frequency attached by ClinVar (database versions not stated): TOPMed 0.00025; ESP Exome Variant Server 0.00038.
gnomAD v4.1: 383 of 1,614,168 alleles (0.024%); highest among the groups gnomAD compares: Non-Finnish European, 0.027%; 1 homozygote.

Submissions (9):

Women's Health and Genetics/Laboratory Corporation of America, LabCorp
Classification: Uncertain significance. Last evaluated: 2026-01-13. Review status: criteria provided, single submitter. Criteria: LabCorp Variant Classification Summary - May 2015. Collection method: clinical testing. Allele origin: germline.
Comment: Variant summary: POLR1C c.395G>A (p.Gly132Asp) results in a non-conservative amino acid change in the encoded protein sequence. Algorithms developed to predict the effect of missense changes on protein structure and function all suggest that this variant is likely to be disruptive. The variant allele was found at a frequency of 0.00031 in 251426 control chromosomes in the gnomAD database, including 1 homozygote. This frequency is not significantly higher than estimated for disease-causing variants in POLR1C, allowing no conclusion about variant significance. c.395G>A has been observed in a compound heterozygous individual affected with leukodystrophy (Tiffault_2015, Gauquelin_2019). These data do not allow any conclusion about variant significance. To our knowledge, no experimental evidence demonstrating an impact on protein function has been reported. The following publications have been ascertained in the context of this evaluation (PMID: 32042905, 26151409). ClinVar contains an entry for this variant (Variation ID: 635145). Based on the evidence outlined above, the variant was classified as uncertain significance.

Labcorp Genetics (formerly Invitae), Labcorp
Classification: Likely benign. Last evaluated: 2025-12-15. Review status: criteria provided, single submitter. Criteria: Invitae Variant Classification Sherloc (09022015). Collection method: clinical testing. Allele origin: germline.

Laboratory of Genetics, Children's Clinical University Hospital Latvia
Classification: Pathogenic. Last evaluated: 2025-02-16. Review status: criteria provided, single submitter. Criteria: ACMG Guidelines, 2015. Collection method: clinical testing. Allele origin: germline. Affected: yes.

GeneDx
Classification: Uncertain significance. Last evaluated: 2023-11-19. Review status: criteria provided, single submitter. Criteria: GeneDx Variant Classification Process June 2021. Collection method: clinical testing. Allele origin: germline. Affected: yes.
Comment: Observed with a second variant on the opposite allele (in trans) in a patient with hypomelination, cerebellar atrophy, and developmental delay in the published literature (PMID: 26151409); In silico analysis supports that this missense variant has a deleterious effect on protein structure/function; This variant is associated with the following publications: (PMID: 31368241, 30957429, 34426522, 32042905, 26151409)

Department of Pathology and Laboratory Medicine, Sinai Health System
Classification: Uncertain significance for Leukodystrophy, hypomyelinating, 11. Last evaluated: 2022-06-16. Review status: criteria provided, single submitter. Criteria: ACMG Guidelines, 2015. Collection method: research. Allele origin: germline.

Ambry Genetics
Classification: Uncertain significance for Inborn genetic diseases. Last evaluated: 2021-08-13. Review status: criteria provided, single submitter. Criteria: Ambry Variant Classification Scheme 2023. Collection method: clinical testing. Allele origin: germline.
Comment: Gauquelin, 2019; Thiffault, 2015 Based on insufficient or conflicting evidence, the clinical significance of this alteration remains unclear.

Illumina Laboratory Services, Illumina
Classification: Uncertain significance for Treacher Collins syndrome 3. Last evaluated: 2017-04-27. Review status: criteria provided, single submitter. Criteria: ICSL Variant Classification Criteria 13 December 2019. Collection method: clinical testing. Allele origin: germline.

MyeliNeuroGene Lab, McGill University Health Center Research Institute
Classification: Pathogenic for Leukodystrophy, hypomyelinating, 11. Review status: criteria provided, single submitter. Criteria: ACMG Guidelines, 2015. Collection method: research. Allele origin: maternal. Inheritance: Autosomal recessive inheritance. Affected: no.

GeneReviews
No classification provided. Condition: Leukodystrophy, hypomyelinating, 11. Review status: no classification provided. Collection method: literature only. Allele origin: germline. Not counted in ClinVar's aggregate classification.

Literature cited by the submitters: PubMed 32042905 (cited by Women's Health and Genetics/Laboratory Corporation of America, LabCorp and Ambry Genetics); PubMed 26151409 (cited by 3 submitters); PubMed 610060 (cited by MyeliNeuroGene Lab, McGill University Health Center Research Institute); PubMed 22855961 (cited by GeneReviews).